The following is an entry in ClinVar:

NM_014795.4(ZEB2):c.2569G>A (p.Asp857Asn)

Gene: ZEB2 (zinc finger E-box binding homeobox 2; minus strand). Cytogenetic location: 2q22.3.
Variant type: single nucleotide variant.
Coding change: c.2569G>A on transcript NM_014795.4 (MANE Select); coding-DNA position 2569, G replaced by A.
Protein change: p.Asp857Asn; replaces aspartic acid 857 with asparagine.
Molecular consequence: missense variant.
Genome position (GRCh38, 1-based): chr2:144,398,618, C>T on the plus strand (G>A on the coding strand, the complement: ZEB2 is on the minus strand). VCF-style: chr2-144398618-C-T. GRCh37 (hg19) VCF-style: chr2-145156185-C-T.
Other names: c.2497G>A, p.Asp833Asn (NM_001171653.2); short protein forms D833N, D857N.
Identifiers: ClinVar variation 3900762 (VCV003900762.1).

ClinVar aggregate classification (germline): Uncertain significance (1 of 4 stars; one submission).

Submission:

GeneDx
Classification: Uncertain significance. Last evaluated: 2024-11-27. Review status: criteria provided, single submitter. Criteria: GeneDx Variant Classification Process June 2021. Collection method: clinical testing. Allele origin: germline. Affected: yes.
Comment: Not observed at significant frequency in large population cohorts (gnomAD); In silico analysis indicates that this missense variant does not alter protein structure/function; Has not been previously published as pathogenic or benign to our knowledge; This variant is associated with the following publications: (PMID: 16053902)